The following is an entry in ClinVar:

NM_024700.4(SNIP1):c.583G>A (p.Val195Ile)

Genes: SNIP1 (Smad nuclear interacting protein 1; minus strand), LOC126805704 (BRD4-independent group 4 enhancer GRCh37_chr1:38005292-38006491; plus strand). Cytogenetic location: 1p34.3.
Variant type: single nucleotide variant.
Coding change: c.583G>A on transcript NM_024700.4 (MANE Select); coding-DNA position 583, G replaced by A.
Protein change: p.Val195Ile; replaces valine 195 with isoleucine.
Molecular consequence: missense variant.
Genome position (GRCh38, 1-based): chr1:37,540,500, C>T on the plus strand (G>A on the coding strand, the complement: SNIP1 is on the minus strand). VCF-style: chr1-37540500-C-T. GRCh37 (hg19) VCF-style: chr1-38006101-C-T.
Other names: c.583G>A (NM_024700.2); short protein forms V195I.
Identifiers: ClinVar variation 1521425 (VCV001521425.7), dbSNP rs752770000, ClinGen allele CA771301.

ClinVar aggregate classification (germline): Conflicting classifications of pathogenicity. Review status: criteria provided, conflicting classifications (1 of 4 stars). 2 submissions from 2 submitters: Uncertain significance (1); Likely benign (1). Last evaluated 2024-10-29.

Allele frequency attached by ClinVar (database versions not stated): gnomAD 0.00001 and 0.00002; gnomAD exomes 0.00002; TOPMed 0.00002; ExAC 0.00004.
gnomAD v4.1: 15 of 1,614,042 alleles (0.00093%); highest among the groups gnomAD compares: East Asian, 0.011%; no homozygotes.

Submissions (2):

Labcorp Genetics (formerly Invitae), Labcorp
Classification: Uncertain significance. Last evaluated: 2024-10-29. Review status: criteria provided, single submitter. Criteria: Invitae Variant Classification Sherloc (09022015). Collection method: clinical testing. Allele origin: germline.
Comment: This sequence change replaces valine, which is neutral and non-polar, with isoleucine, which is neutral and non-polar, at codon 195 of the SNIP1 protein (p.Val195Ile). This variant is present in population databases (rs752770000, gnomAD 0.02%). This variant has not been reported in the literature in individuals affected with SNIP1-related conditions. ClinVar contains an entry for this variant (Variation ID: 1521425). Invitae Evidence Modeling of protein sequence and biophysical properties (such as structural, functional, and spatial information, amino acid conservation, physicochemical variation, residue mobility, and thermodynamic stability) indicates that this missense variant is not expected to disrupt SNIP1 protein function with a negative predictive value of 80%. In summary, the available evidence is currently insufficient to determine the role of this variant in disease. Therefore, it has been classified as a Variant of Uncertain Significance.

Ambry Genetics
Classification: Likely benign. Last evaluated: 2023-02-28. Review status: criteria provided, single submitter. Criteria: Ambry Variant Classification Scheme 2023. Collection method: clinical testing. Allele origin: germline.